The following is an entry in ClinVar:

ClinVar aggregate classification (germline): Uncertain significance (1 of 4 stars; one submission).

Conditions:
Hereditary cancer-predisposing syndrome. Also called: Hereditary Cancer Syndrome; Hereditary neoplastic syndrome; Neoplastic Syndromes, Hereditary; Tumor predisposition. Identifiers: Orphanet 140162, MedGen C0027672, MeSH D009386, MONDO:0015356.

Submission:

Ambry Genetics
Classification: Uncertain significance for Hereditary cancer-predisposing syndrome. Last evaluated: 2025-05-16. Review status: criteria provided, single submitter. Criteria: Ambry Variant Classification Scheme 2023. Collection method: clinical testing. Allele origin: germline.
Comment: The p.K627E variant (also known as c.1879A>G), located in coding exon 12 of the NBN gene, results from an A to G substitution at nucleotide position 1879. The lysine at codon 627 is replaced by glutamic acid, an amino acid with similar properties. This amino acid position is conserved. In addition, this alteration is predicted to be tolerated by in silico analysis. Based on the available evidence, the clinical significance of this variant remains unclear.

NM_002485.5(NBN):c.1879A>G (p.Lys627Glu)

Genes: NBN (nibrin; minus strand), LOC126860438 (MED14-independent group 3 enhancer GRCh37_chr8:90959982-90961181; plus strand). Cytogenetic location: 8q21.3.
Variant type: single nucleotide variant.
Coding change: c.1879A>G on transcript NM_002485.5 (MANE Select); coding-DNA position 1879, A replaced by G.
Protein change: p.Lys627Glu; replaces lysine 627 with glutamic acid.
Molecular consequence: missense variant.
Genome position (GRCh38, 1-based): chr8:89,947,859, T>C on the plus strand (A>G on the coding strand, the complement: NBN is on the minus strand). VCF-style: chr8-89947859-T-C. GRCh37 (hg19) VCF-style: chr8-90960087-T-C.
Other names: c.1633A>G, p.Lys545Glu (NM_001024688.3); short protein forms K545E, K627E.
Identifiers: ClinVar variation 3917584 (VCV003917584.1).